The following is an entry in ClinVar:

NM_000465.4(BARD1):c.1227_1231del (p.Ser410fs)

Gene: BARD1 (BRCA1 associated RING domain 1; minus strand). Cytogenetic location: 2q35.
Variant type: Deletion.
Coding change: c.1227_1231del on transcript NM_000465.4 (MANE Select); coding-DNA positions 1227 to 1231, 5 bases deleted (TAGTC; older notation c.1227_1231delTAGTC).
Protein change: p.Ser410fs; shifts the reading frame from serine 410.
Molecular consequence: frameshift variant. On other transcripts: non-coding transcript variant (2), intron variant (3).
Genome position (GRCh38, 1-based): chr2:214,780,643-214,780,647, GACTA deleted on the plus strand (TAGTC on the coding strand, the reverse complement: BARD1 is on the minus strand); deleting any 5 consecutive bases within chr2:214,780,643-214,780,650 gives the same sequence; the c. name uses the placement nearest the transcript's 3' end. VCF-style (leftmost placement, unchanged base first): chr2-214780642-GGACTA-G. GRCh37 (hg19) VCF-style: chr2-215645366-GGACTA-G.
Other names: c.1227_1231del (NM_000465.3, NM_000465.2); c.1170_1174del, p.Ser391fs (NM_001282543.2); c.159-28092_159-28088del (NM_001282548.2); c.215+16414_215+16418del (NM_001282545.2); c.364+11650_364+11654del (NM_001282549.2); short protein forms S410fs, S391fs.
Identifiers: ClinVar variation 482810 (VCV000482810.19), dbSNP rs1553622160, ClinGen allele CA658657238.

ClinVar aggregate classification (germline): Pathogenic/Likely pathogenic. Review status: criteria provided, multiple submitters, no conflicts (2 of 4 stars). 5 submissions from 5 submitters: Pathogenic (3); Likely pathogenic (2). Last evaluated 2025-06-29.

Conditions:
Hereditary cancer-predisposing syndrome. Also called: Tumor predisposition; Hereditary neoplastic syndrome; Neoplastic Syndromes, Hereditary; Hereditary Cancer Syndrome. Identifiers: Orphanet 140162, MedGen C0027672, MeSH D009386, MONDO:0015356.
Familial cancer of breast. Also called: BREAST CANCER, FAMILIAL; hereditary breast carcinoma; Hereditary breast cancer. Identifiers: Orphanet 227535, MedGen C0346153, MONDO:0016419, OMIM 114480. Disease mechanism: loss of function.

Submissions (5):

GeneDx
Classification: Likely pathogenic. Last evaluated: 2025-06-29. Review status: criteria provided, single submitter. Criteria: GeneDx Variant Classification Process June 2021. Collection method: clinical testing. Allele origin: germline.
Comment: Frameshift variant predicted to result in protein truncation or nonsense mediated decay in a gene for which loss of function is a known mechanism of disease; Not observed at significant frequency in large population cohorts (gnomAD); Has not been previously published as pathogenic or benign to our knowledge

Labcorp Genetics (formerly Invitae), Labcorp
Classification: Pathogenic for Familial cancer of breast. Last evaluated: 2024-12-12. Review status: criteria provided, single submitter. Criteria: Invitae Variant Classification Sherloc (09022015). Collection method: clinical testing. Allele origin: germline.
Comment: This sequence change creates a premature translational stop signal (p.Ser410Leufs*16) in the BARD1 gene. It is expected to result in an absent or disrupted protein product. Loss-of-function variants in BARD1 are known to be pathogenic (PMID: 20077502, 21344236). This variant is not present in population databases (gnomAD no frequency). This variant has not been reported in the literature in individuals affected with BARD1-related conditions. ClinVar contains an entry for this variant (Variation ID: 482810). For these reasons, this variant has been classified as Pathogenic.

Ambry Genetics
Classification: Pathogenic for Hereditary cancer-predisposing syndrome. Last evaluated: 2023-11-08. Review status: criteria provided, single submitter. Criteria: Ambry Variant Classification Scheme 2023. Collection method: clinical testing. Allele origin: germline.
Comment: The c.1227_1231delTAGTC pathogenic mutation, located in coding exon 4 of the BARD1 gene, results from a deletion of 5 nucleotides at nucleotide positions 1227 to 1231, causing a translational frameshift with a predicted alternate stop codon (p.S410Lfs*16). This alteration is expected to result in loss of function by premature protein truncation or nonsense-mediated mRNA decay. As such, this alteration is interpreted as a disease-causing mutation.

Baylor Genetics
Classification: Likely pathogenic for Familial cancer of breast. Last evaluated: 2023-11-02. Review status: criteria provided, single submitter. Criteria: ACMG Guidelines, 2015. Collection method: clinical testing. Allele origin: unknown.

Myriad Genetics, Inc.
Classification: Pathogenic for Familial cancer of breast. Last evaluated: 2023-05-22. Review status: criteria provided, single submitter. Criteria: Myriad Autosomal Dominant, Autosomal Recessive and X-Linked Classification Criteria (2023). Collection method: clinical testing. Allele origin: unknown.
Comment: This variant is considered pathogenic. This variant creates a frameshift predicted to result in premature protein truncation.

Literature cited by the submitters: PubMed 20077502 (cited by Labcorp Genetics (formerly Invitae), Labcorp); PubMed 21344236 (cited by Labcorp Genetics (formerly Invitae), Labcorp).